The following is an entry in ClinVar:

NM_000368.5(TSC1):c.1388dup (p.Leu463fs)

Gene: TSC1 (TSC complex subunit 1; minus strand). Cytogenetic location: 9q34.13.
Variant type: Duplication.
Coding change: c.1388dup on transcript NM_000368.5 (MANE Select); coding-DNA position 1388, one base duplicated (T; older notation c.1388dupT).
Protein change: p.Leu463fs; shifts the reading frame from leucine 463.
Molecular consequence: frameshift variant.
Genome position (GRCh38, 1-based): chr9:132,906,781, A duplicated on the plus strand (T on the coding strand, the reverse complement: TSC1 is on the minus strand); the first of 5 consecutive A bases (chr9:132,906,781-132,906,785); duplicating any one gives the same sequence. VCF-style (leftmost placement, unchanged base first): chr9-132906780-T-TA. GRCh37 (hg19) VCF-style: chr9-135782167-T-TA.
Other names: c.1388dupT (NM_000368.4); c.1385dup, p.Leu462fs (NM_001162426.2); c.1235dup, p.Leu412fs (NM_001162427.2); c.1025dup, p.Leu342fs (NM_001362177.2); short protein forms L342fs, L463fs, L412fs, L462fs.
Identifiers: ClinVar variation 466027 (VCV000466027.6), dbSNP rs1064796237, ClinGen allele CA658657920.

ClinVar aggregate classification (germline): Pathogenic (1 of 4 stars; one submission).

Conditions:
Tuberous sclerosis 1 (TSC1). Identifiers: Orphanet 805, MedGen C1854465, MONDO:0008612, OMIM 191100.

Submission:

Labcorp Genetics (formerly Invitae), Labcorp
Classification: Pathogenic for Tuberous sclerosis 1. Last evaluated: 2017-05-25. Review status: criteria provided, single submitter. Criteria: Invitae Variant Classification Sherloc (09022015). Collection method: clinical testing. Allele origin: germline.
Comment: This sequence change creates a premature translational stop signal (p.Leu463Phefs*3) in the TSC1 gene. It is expected to result in an absent or disrupted protein product. This variant is not present in population databases (ExAC no frequency). For these reasons, this variant has been classified as Pathogenic. While this particular variant has not been reported in the literature, loss-of-function variants in TSC1 are known to be pathogenic (PMID: 10227394, 17304050).

Literature cited by the submitters: PubMed 10227394; PubMed 17304050.